The following is an entry in ClinVar:

NM_001244008.2(KIF1A):c.3203-3C>T

Gene: KIF1A (kinesin family member 1A; minus strand). Cytogenetic location: 2q37.3.
Variant type: single nucleotide variant.
Coding change: c.3203-3C>T on transcript NM_001244008.2 (MANE Select); 3 bases into the intron before coding-DNA position 3203, C replaced by T.
Molecular consequence: intron variant.
Genome position (GRCh38, 1-based): chr2:240,745,912, G>A on the plus strand (C>T on the coding strand, the complement: KIF1A is on the minus strand). VCF-style: chr2-240745912-G-A. GRCh37 (hg19) VCF-style: chr2-241685329-G-A.
Other names: c.2900-3C>T (NM_001379653.1, NM_001379650.1, NM_001379641.1 and 5 more transcripts); c.3176-3C>T (NM_001379645.1, NM_001379633.1, NM_001379642.1); c.3002-3C>T (NM_001379635.1, NM_001330290.2, NM_001379646.1 and 1 more transcripts); c.2900-6C>T (NM_001379640.1); c.3152-3C>T (NM_001379632.1); c.2975-3C>T (NM_001379637.1, NM_001379648.1); c.2927-3C>T (NM_001320705.2, NM_001379638.1, NM_001330289.2); c.3278-3C>T (NM_001379631.1).
Identifiers: ClinVar variation 1491266 (VCV001491266.6), dbSNP rs371669128, ClinGen allele CA2207867.

ClinVar aggregate classification (germline): Uncertain significance (1 of 4 stars; one submission).

Conditions:
Hereditary spastic paraplegia 30. Identifiers: Orphanet 101010, MedGen C5235139, MONDO:0012476.
Neuropathy, hereditary sensory, type 2C. Also called: KIF1A-Related HSAN2 (HSAN2C); Hereditary sensory and autonomic neuropathy type IIC. Identifiers: Orphanet 970, MedGen C3280168, MONDO:0013634, OMIM 614213.
Intellectual disability, autosomal dominant 9 (NESCAVS). Also called: KIF1A-Related Neurodevelopmental Disorder; NESCAV SYNDROME. Identifiers: Orphanet 662367, MedGen C5393830, MONDO:0013656, OMIM 614255.

Allele frequency attached by ClinVar (database versions not stated): gnomAD 0.00001; gnomAD exomes 0.00001 and below 0.00001; TOPMed 0.00002; ESP Exome Variant Server 0.00008; ExAC 0.00001.
gnomAD v4.1: 4 of 1,600,420 alleles (0.00025%); highest among the groups gnomAD compares: Middle Eastern, 0.017%; no homozygotes.

Submission:

Labcorp Genetics (formerly Invitae), Labcorp
Classification: Uncertain significance for Hereditary spastic paraplegia 30; Neuropathy, hereditary sensory, type 2C; Intellectual disability, autosomal dominant 9. Last evaluated: 2024-02-14. Review status: criteria provided, single submitter. Criteria: Invitae Variant Classification Sherloc (09022015). Collection method: clinical testing. Allele origin: germline.
Comment: This sequence change falls in intron 27 of the KIF1A gene. It does not directly change the encoded amino acid sequence of the KIF1A protein. It affects a nucleotide within the consensus splice site. The frequency data for this variant in the population databases is considered unreliable, as metrics indicate poor data quality at this position in the gnomAD database. This variant has not been reported in the literature in individuals affected with KIF1A-related conditions. ClinVar contains an entry for this variant (Variation ID: 1491266). Variants that disrupt the consensus splice site are a relatively common cause of aberrant splicing (PMID: 17576681, 9536098). Algorithms developed to predict the effect of sequence changes on RNA splicing suggest that this variant is not likely to affect RNA splicing. In summary, the available evidence is currently insufficient to determine the role of this variant in disease. Therefore, it has been classified as a Variant of Uncertain Significance.

Literature cited by the submitters: PubMed 17576681; PubMed 9536098.